The following is an entry in ClinVar:

ClinVar aggregate classification (germline): Pathogenic. Review status: criteria provided, multiple submitters, no conflicts (2 of 4 stars). 2 submissions from 2 submitters: Pathogenic (2). Last evaluated 2024-02-24.

Allele frequency attached by ClinVar (database versions not stated): gnomAD 0.00001; gnomAD exomes 0.00001 and 0.00002; ExAC 0.00003.

Submissions (2):

Labcorp Genetics (formerly Invitae), Labcorp
Classification: Pathogenic. Last evaluated: 2024-02-24. Review status: criteria provided, single submitter. Criteria: Invitae Variant Classification Sherloc (09022015). Collection method: clinical testing. Allele origin: germline.
Comment: This sequence change creates a premature translational stop signal (p.Tyr136*) in the GJB2 gene. While this is not anticipated to result in nonsense mediated decay, it is expected to disrupt the last 91 amino acid(s) of the GJB2 protein. This variant is present in population databases (rs771409330, gnomAD 0.02%). This premature translational stop signal has been observed in individual(s) with non-syndromic hearing loss (PMID: 30168495). ClinVar contains an entry for this variant (Variation ID: 1357104). This variant disrupts a region of the GJB2 protein in which other variant(s) (p.Cys211Leufs*5) have been determined to be pathogenic (PMID: 9529365, 12910486, 20863150). This suggests that this is a clinically significant region of the protein, and that variants that disrupt it are likely to be disease-causing. For these reasons, this variant has been classified as Pathogenic.

Athena Diagnostics
Classification: Pathogenic. Last evaluated: 2023-12-01. Review status: criteria provided, single submitter. Criteria: Athena Diagnostics Criteria. Collection method: clinical testing. Allele origin: unknown.
Comment: This variant is expected to result in the loss of a functional protein. The frequency of this variant in the general population is consistent with pathogenicity. This variant has been identified in at least one individual with clinical features of nonsyndromic hearing loss and deafness. In multiple individuals, this variant has been seen with a single recessive pathogenic variant in the same gene, suggesting this variant may also be pathogenic.

Literature cited by the submitters: PubMed 30168495 (cited by Labcorp Genetics (formerly Invitae), Labcorp and Athena Diagnostics); PubMed 9529365 (cited by Labcorp Genetics (formerly Invitae), Labcorp); PubMed 12910486 (cited by Labcorp Genetics (formerly Invitae), Labcorp); PubMed 20863150 (cited by Labcorp Genetics (formerly Invitae), Labcorp); PubMed 18941476 (cited by Athena Diagnostics); PubMed 26188104 (cited by Athena Diagnostics); PubMed 16467727 (cited by Athena Diagnostics); PubMed 16125251 (cited by Athena Diagnostics).

NM_004004.6(GJB2):c.407dup (p.Tyr136Ter)

Gene: GJB2 (gap junction protein beta 2; minus strand). Cytogenetic location: 13q12.11.
Variant type: Duplication.
Coding change: c.407dup on transcript NM_004004.6 (MANE Select); coding-DNA position 407, one base duplicated (A; older notation c.407dupA).
Protein change: p.Tyr136Ter; replaces tyrosine 136 with a stop codon.
Molecular consequence: nonsense.
Genome position (GRCh38, 1-based): chr13:20,189,175, T duplicated on the plus strand (A on the coding strand, the reverse complement: GJB2 is on the minus strand). VCF-style (leftmost placement, unchanged base first): chr13-20189174-G-GT. GRCh37 (hg19) VCF-style: chr13-20763313-G-GT.
Other names: c.407dup (NM_004004.5); short protein forms Y136*.
Identifiers: ClinVar variation 1357104 (VCV001357104.7), dbSNP rs771409330, ClinGen allele CA6904272.